The following is an entry in ClinVar:

ClinVar aggregate classification (germline): Conflicting classifications of pathogenicity. Review status: criteria provided, conflicting classifications (1 of 4 stars). 9 submissions from 6 submitters: Uncertain significance (8); Likely benign (1). Last evaluated 2025-09-02.

Conditions:
Congenital myopathy 18. Also called: DIHYDROPYRIDINE RECEPTOR CONGENITAL MYOPATHY; DHPR CONGENITAL MYOPATHY; Myopathy, congenital, due to dihydropyridine receptor defect. Identifiers: MedGen C5830283, MONDO:0859514, OMIM 620246.
Hypokalemic periodic paralysis, type 1. Also called: Hypokalemic Periodic Paralysis Type 1 (AD); HypoPP. Identifiers: Orphanet 681, MedGen C3714580, MONDO:0042979, OMIM 170400.
Malignant hyperthermia, susceptibility to, 5 (MHS5). Also called: CACNA1S-Related Malignant Hyperthermia Susceptibility. Identifiers: Orphanet 423, MedGen C1866077, MONDO:0011163, OMIM 601887.
Thyrotoxic periodic paralysis, susceptibility to, 1 (TTPP1). Identifiers: Orphanet 79102, MedGen C2749982, MONDO:0008570, OMIM 188580.

Allele frequency attached by ClinVar (database versions not stated): gnomAD exomes 0.00003; gnomAD 0.00004 and 0.00005; ESP Exome Variant Server 0.00008; 1000 Genomes Project 30x 0.00016; 1000 Genomes Project 0.00020; TOPMed 0.00002; ExAC 0.00003.
gnomAD v4.1: 47 of 1,613,680 alleles (0.0029%); highest among the groups gnomAD compares: East Asian, 0.062%; no homozygotes.

Submissions (9):

Labcorp Genetics (formerly Invitae), Labcorp
Classification: Likely benign for Hypokalemic periodic paralysis, type 1; Malignant hyperthermia, susceptibility to, 5. Last evaluated: 2025-09-02. Review status: criteria provided, single submitter. Criteria: Invitae Variant Classification Sherloc (09022015). Collection method: clinical testing. Allele origin: germline.

Color Diagnostics, LLC DBA Color Health
Classification: Uncertain significance for Malignant hyperthermia, susceptibility to, 5. Last evaluated: 2025-06-19. Review status: criteria provided, single submitter. Criteria: ACMG Guidelines, 2015. Collection method: clinical testing. Allele origin: germline.
Comment: This missense variant replaces valine with isoleucine at codon 947 of the CACNA1S protein. Computational prediction suggests that this variant may have deleterious impact on protein structure and function. To our knowledge, functional studies have not been reported for this variant. This variant has not been reported in individuals affected with CACNA1S-related disorders in the literature. This variant has been identified in 8/282586 chromosomes in the general population by the Genome Aggregation Database (gnomAD). The available evidence is insufficient to determine the role of this variant in disease conclusively. Therefore, this variant is classified as a Variant of Uncertain Significance.

Fulgent Genetics
Classification: Uncertain significance for Hypokalemic periodic paralysis, type 1; Thyrotoxic periodic paralysis, susceptibility to, 1; Malignant hyperthermia, susceptibility to, 5; Congenital myopathy 18. Last evaluated: 2024-02-07. Review status: criteria provided, single submitter. Criteria: ACMG Guidelines, 2015. Collection method: clinical testing. Allele origin: germline.

Genome-Nilou Lab
Classification: Uncertain significance for Malignant hyperthermia, susceptibility to, 5. Last evaluated: 2023-04-11. Review status: criteria provided, single submitter. Criteria: ACMG Guidelines, 2015. Collection method: clinical testing. Allele origin: germline. Affected: no.

Genome-Nilou Lab
Classification: Uncertain significance for Thyrotoxic periodic paralysis, susceptibility to, 1. Last evaluated: 2023-04-11. Review status: criteria provided, single submitter. Criteria: ACMG Guidelines, 2015. Collection method: clinical testing. Allele origin: germline. Affected: no.

Genome-Nilou Lab
Classification: Uncertain significance for Congenital myopathy 18. Last evaluated: 2023-04-11. Review status: criteria provided, single submitter. Criteria: ACMG Guidelines, 2015. Collection method: clinical testing. Allele origin: germline. Affected: no.

Genome-Nilou Lab
Classification: Uncertain significance for Hypokalemic periodic paralysis, type 1. Last evaluated: 2023-04-11. Review status: criteria provided, single submitter. Criteria: ACMG Guidelines, 2015. Collection method: clinical testing. Allele origin: germline. Affected: no.

GeneDx
Classification: Uncertain significance. Last evaluated: 2020-02-13. Review status: criteria provided, single submitter. Criteria: GeneDx Variant Classification Process June 2021. Collection method: clinical testing. Allele origin: germline. Affected: yes.
Comment: In silico analysis supports that this missense variant does not alter protein structure/function; Has not been previously published as pathogenic or benign to our knowledge

CeGaT Center for Human Genetics Tuebingen
Classification: Uncertain significance. Last evaluated: 2019-03-01. Review status: criteria provided, single submitter. Criteria: CeGaT Center For Human Genetics Tuebingen Variant Classification Criteria Version 2. Collection method: clinical testing. Allele origin: germline. Affected: yes. Observed: 1 variant allele.

NM_000069.3(CACNA1S):c.2839G>A (p.Val947Ile)

Gene: CACNA1S (calcium voltage-gated channel subunit alpha1 S; minus strand). Cytogenetic location: 1q32.1.
Variant type: single nucleotide variant.
Coding change: c.2839G>A on transcript NM_000069.3 (MANE Select); coding-DNA position 2839, G replaced by A.
Protein change: p.Val947Ile; replaces valine 947 with isoleucine.
Molecular consequence: missense variant.
Genome position (GRCh38, 1-based): chr1:201,065,852, C>T on the plus strand (G>A on the coding strand, the complement: CACNA1S is on the minus strand). VCF-style: chr1-201065852-C-T. GRCh37 (hg19) VCF-style: chr1-201034980-C-T.
Other names: short protein forms V947I.
Identifiers: ClinVar variation 806314 (VCV000806314.49), dbSNP rs76460090, ClinGen allele CA079317.